The following is an entry in ClinVar:

NM_004998.4(MYO1E):c.1344C>T (p.Asp448=)

Gene: MYO1E (myosin IE; minus strand). Cytogenetic location: 15q22.2.
Variant type: single nucleotide variant.
Coding change: c.1344C>T on transcript NM_004998.4 (MANE Select); coding-DNA position 1344, C replaced by T.
Protein change: p.Asp448=; no amino-acid change (aspartic acid 448 retained).
Molecular consequence: synonymous variant.
Genome position (GRCh38, 1-based): chr15:59,210,532, G>A on the plus strand (C>T on the coding strand, the complement: MYO1E is on the minus strand). VCF-style: chr15-59210532-G-A. GRCh37 (hg19) VCF-style: chr15-59502731-G-A.
Identifiers: ClinVar variation 2185163 (VCV002185163.6), dbSNP rs377513196, ClinGen allele CA7589970.
Genomic context (GRCh38, chr15:59,210,532, plus strand): 5'-AAACCTGTGAGCAGTGAAAAGACATACTAAATGAACACTTACCACTTTGTTCTCTATGAG[G>A]TCACATACGATTTTATTATTAAAGTACTCAATGGGTGTCCATCTTATTCCCTCTTGAACA-3'
Protein context (NP_004989.2, residues 438-458): IEYFNNKIVC[Asp448=]LIENKVNPPG

ClinVar aggregate classification (germline): Benign. Review status: criteria provided, single submitter (1 of 4 stars). 2 submissions from 2 submitters: Benign (1). 1 of the submissions does not count toward it. Last evaluated 2025-09-13.

Conditions:
MYO1E-related disorder. Also called: MYO1E-related condition.

Allele frequency attached by ClinVar (database versions not stated): 1000 Genomes Project 30x 0.00062; 1000 Genomes Project 0.00080.
gnomAD v4.1: 174 of 1,598,386 alleles (0.011%); highest among the groups gnomAD compares: South Asian, 0.18%; 2 homozygotes.

Submissions (2):

Labcorp Genetics (formerly Invitae), Labcorp
Classification: Benign. Last evaluated: 2025-09-13. Review status: criteria provided, single submitter. Criteria: Invitae Variant Classification Sherloc (09022015). Collection method: clinical testing. Allele origin: germline.

PreventionGenetics, part of Exact Sciences
Classification: Likely benign for MYO1E-related condition. Last evaluated: 2019-04-09. Review status: no assertion criteria provided. Collection method: clinical testing. Allele origin: germline. Not counted in ClinVar's aggregate classification.
Comment: This variant is classified as likely benign based on ACMG/AMP sequence variant interpretation guidelines (Richards et al. 2015 PMID: 25741868, with internal and published modifications).